The following is an entry in ClinVar:

NM_001276345.2(TNNT2):c.784G>A (p.Glu262Lys)

Gene: TNNT2 (troponin T2, cardiac type; minus strand). Cytogenetic location: 1q32.1.
Variant type: single nucleotide variant.
Coding change: c.784G>A on transcript NM_001276345.2 (MANE Select); coding-DNA position 784, G replaced by A.
Protein change: p.Glu262Lys; replaces glutamic acid 262 with lysine.
Molecular consequence: missense variant.
Genome position (GRCh38, 1-based): chr1:201,361,305, C>T on the plus strand (G>A on the coding strand, the complement: TNNT2 is on the minus strand). VCF-style: chr1-201361305-C-T. GRCh37 (hg19) VCF-style: chr1-201330433-C-T.
Other names: c.775G>A, p.Glu259Lys (NM_000364.4); c.754G>A, p.Glu252Lys (NM_001001430.3, NM_001276347.2); c.745G>A, p.Glu249Lys (NM_001001431.3); c.736G>A, p.Glu246Lys (NM_001001432.3); c.655G>A, p.Glu219Lys (NM_001276346.2); short protein forms E252K, E259K, E246K, E249K, E262K, E219K.
Identifiers: ClinVar variation 178850 (VCV000178850.7), dbSNP rs727504488, ClinGen allele CA005082.

ClinVar aggregate classification (germline): Conflicting classifications of pathogenicity. Review status: criteria provided, conflicting classifications (1 of 4 stars). 2 submissions from 2 submitters: Likely pathogenic (1); Uncertain significance (1). Last evaluated 2017-04-28.

Conditions:
Primary familial dilated cardiomyopathy (FDC). Also called: Familial dilated cardiomyopathy; Hypokinetic dilated cardiomyopathy, familial. Identifiers: Orphanet 217607, MedGen C0340427, MONDO:0016333.

Submissions (2):

Molecular Diagnostic Laboratory for Inherited Cardiovascular Disease, Montreal Heart Institute
Classification: Likely pathogenic for Primary familial dilated cardiomyopathy. Last evaluated: 2017-04-28. Review status: criteria provided, single submitter. Criteria: ACMG Guidelines, 2015. Collection method: clinical testing. Allele origin: germline. Affected: yes.

Laboratory for Molecular Medicine, Mass General Brigham Personalized Medicine
Classification: Uncertain significance. Last evaluated: 2013-09-24. Review status: criteria provided, single submitter. Criteria: LMM Criteria. Collection method: clinical testing. Allele origin: germline. Observed: 2 variant alleles.
Comment: The Glu252Lys variant in TNNT2 has now been identified by our laboratory in 2 Ca ucasian individuals with DCM and segregated with disease in 1 affected relative. It has not been identified in large population studies. Computational analyses (biochemical amino acid properties, conservation, AlignGVGD, PolyPhen2, and SIFT ) suggest that the Glu252Lys variant may not impact the protein, though this inf ormation is not predictive enough to rule out pathogenicity. Additional informat ion is needed to fully assess the clinical significance of this variant.